The following is an entry in ClinVar:

ClinVar aggregate classification (germline): Likely benign. Review status: criteria provided, multiple submitters, no conflicts (2 of 4 stars). 3 submissions from 3 submitters: Likely benign (3). Last evaluated 2026-01-19.

Conditions:
TRPM1-related disorder. Also called: TRPM1-related condition.

Allele frequency attached by ClinVar (database versions not stated): gnomAD 0.00006 and 0.00009; TOPMed 0.00009; 1000 Genomes Project 30x 0.00031; 1000 Genomes Project 0.00040.
gnomAD v4.1: 157 of 1,614,024 alleles (0.0097%); highest among the groups gnomAD compares: South Asian, 0.09%; no homozygotes.

Submissions (3):

Labcorp Genetics (formerly Invitae), Labcorp
Classification: Likely benign. Last evaluated: 2026-01-19. Review status: criteria provided, single submitter. Criteria: Invitae Variant Classification Sherloc (09022015). Collection method: clinical testing. Allele origin: germline.

PreventionGenetics, part of Exact Sciences
Classification: Likely benign for TRPM1-related condition. Last evaluated: 2025-02-14. Review status: criteria provided, single submitter. Criteria: ACMG Guidelines, 2015. Collection method: clinical testing. Allele origin: germline.
Comment: This variant is classified as likely benign based on ACMG/AMP sequence variant interpretation guidelines (Richards et al. 2015 PMID: 25741868, with internal and published modifications).

Blueprint Genetics
Classification: Likely benign. Last evaluated: 2023-12-04. Review status: criteria provided, single submitter. Criteria: ACMG Guidelines, 2015. Collection method: clinical testing. Allele origin: germline.

NM_001252024.2(TRPM1):c.2385G>A (p.Ser795=)

Gene: TRPM1 (transient receptor potential cation channel subfamily M member 1; minus strand). Cytogenetic location: 15q13.3.
Variant type: single nucleotide variant.
Coding change: c.2385G>A on transcript NM_001252024.2 (MANE Select); coding-DNA position 2385, G replaced by A.
Protein change: p.Ser795=; no amino-acid change (serine 795 retained).
Molecular consequence: synonymous variant.
Genome position (GRCh38, 1-based): chr15:31,038,098, C>T on the plus strand (G>A on the coding strand, the complement: TRPM1 is on the minus strand). VCF-style: chr15-31038098-C-T. GRCh37 (hg19) VCF-style: chr15-31330301-C-T.
Other names: c.2436G>A (NM_001252020.1); c.2436G>A, p.Ser812= (NM_001252020.2); c.2319G>A, p.Ser773= (NM_002420.6).
Identifiers: ClinVar variation 1644512 (VCV001644512.10), dbSNP rs539196046, ClinGen allele CA7452228.